The following is an entry in ClinVar:

ClinVar aggregate classification (germline): Likely benign (1 of 4 stars; one submission).

Conditions:
Malignant hyperthermia, susceptibility to, 5 (MHS5). Also called: CACNA1S-Related Malignant Hyperthermia Susceptibility. Identifiers: Orphanet 423, MedGen C1866077, MONDO:0011163, OMIM 601887.

gnomAD v4.1: 2 of 1,614,268 alleles (0.00012%); highest among the groups gnomAD compares: Non-Finnish European, 0.00017%; no homozygotes.

Submission:

All of Us Research Program, National Institutes of Health
Classification: Likely benign for Malignant hyperthermia, susceptibility to, 5. Last evaluated: 2024-05-30. Review status: criteria provided, single submitter. Criteria: ACMG Guidelines, 2015. Collection method: clinical testing. Allele origin: germline. Inheritance: Autosomal dominant inheritance. Observed: 1 variant allele, 1 heterozygote.
Comment: This study involves interpretation of variants in research participants for the purpose of population health screening. Participant phenotype was not available at the time of variant classification. Additional details can be found in publication PMID: 35346344, PMCID: PMC8962531

NM_000069.3(CACNA1S):c.5454C>T (p.Cys1818=)

Gene: CACNA1S (calcium voltage-gated channel subunit alpha1 S; minus strand). Cytogenetic location: 1q32.1.
Variant type: single nucleotide variant.
Coding change: c.5454C>T on transcript NM_000069.3 (MANE Select); coding-DNA position 5454, C replaced by T.
Protein change: p.Cys1818=; no amino-acid change (cysteine 1818 retained).
Molecular consequence: synonymous variant.
Genome position (GRCh38, 1-based): chr1:201,039,999, G>A on the plus strand (C>T on the coding strand, the complement: CACNA1S is on the minus strand). VCF-style: chr1-201039999-G-A. GRCh37 (hg19) VCF-style: chr1-201009127-G-A.
Identifiers: ClinVar variation 3386267 (VCV003386267.1).